The following is an entry in ClinVar:

NM_020376.4(PNPLA2):c.726C>T (p.Tyr242=)

Gene: PNPLA2 (patatin like domain 2, triacylglycerol lipase; plus strand). Cytogenetic location: 11p15.5.
Variant type: single nucleotide variant.
Coding change: c.726C>T on transcript NM_020376.4 (MANE Select); coding-DNA position 726, C replaced by T.
Protein change: p.Tyr242=; no amino-acid change (tyrosine 242 retained).
Molecular consequence: synonymous variant.
Genome position (GRCh38, 1-based): chr11:823,556, C>T. VCF-style: chr11-823556-C-T. GRCh37 (hg19) VCF-style: chr11-823556-C-T.
Identifiers: ClinVar variation 702047 (VCV000702047.16), dbSNP rs144220751, ClinGen allele CA5791121.

ClinVar aggregate classification (germline): Conflicting classifications of pathogenicity. Review status: criteria provided, conflicting classifications (1 of 4 stars). 4 submissions from 4 submitters: Uncertain significance (1); Likely benign (3). Last evaluated 2026-09-01.

Conditions:
Neutral lipid storage myopathy (NLSDM). Also called: NEUTRAL LIPID STORAGE DISEASE WITHOUT ICHTHYOSIS. Identifiers: Orphanet 98908, MedGen C1853136, MONDO:0012545, OMIM 610717.

Allele frequency attached by ClinVar (database versions not stated): 1000 Genomes Project 30x 0.00016; gnomAD exomes 0.00016; TOPMed 0.00017; 1000 Genomes Project 0.00020; gnomAD 0.00021; ExAC 0.00023.

Submissions (4):

CeGaT Center for Human Genetics Tuebingen
Classification: Likely benign. Last evaluated: 2026-09-01. Review status: criteria provided, single submitter. Criteria: CeGaT Center For Human Genetics Tuebingen Variant Classification Criteria Version 2. Collection method: clinical testing. Allele origin: germline. Affected: yes. Observed: 1 variant allele.
Comment: PNPLA2: BP4, BP7

Labcorp Genetics (formerly Invitae), Labcorp
Classification: Likely benign for Neutral lipid storage myopathy. Last evaluated: 2025-12-16. Review status: criteria provided, single submitter. Criteria: Invitae Variant Classification Sherloc (09022015). Collection method: clinical testing. Allele origin: germline.

Blueprint Genetics
Classification: Likely benign. Last evaluated: 2024-09-11. Review status: criteria provided, single submitter. Criteria: ACMG Guidelines, 2015. Collection method: clinical testing. Allele origin: germline.

Illumina Laboratory Services, Illumina
Classification: Uncertain significance for Neutral lipid storage myopathy. Last evaluated: 2018-01-19. Review status: criteria provided, single submitter. Criteria: ICSL Variant Classification Criteria 13 December 2019. Collection method: clinical testing. Allele origin: germline.